The following is an entry in ClinVar:

NM_130849.4(SLC39A4):c.1568G>A (p.Trp523Ter)

Genes: SLC39A4 (solute carrier family 39 member 4; minus strand), LOC130001397 (ATAC-STARR-seq lymphoblastoid active region 28098; plus strand). Cytogenetic location: 8q24.3.
Variant type: single nucleotide variant.
Coding change: c.1568G>A on transcript NM_130849.4 (MANE Select); coding-DNA position 1568, G replaced by A.
Protein change: p.Trp523Ter; replaces tryptophan 523 with a stop codon.
Molecular consequence: nonsense.
Genome position (GRCh38, 1-based): chr8:144,413,296, C>T on the plus strand (G>A on the coding strand, the complement: SLC39A4 is on the minus strand). VCF-style: chr8-144413296-C-T. GRCh37 (hg19) VCF-style: chr8-145638680-C-T.
Other names: c.74G>A, p.Trp25Ter (NM_001280557.2); c.1286G>A, p.Trp429Ter (NM_001374839.1); c.1493G>A, p.Trp498Ter (NM_017767.3); short protein forms W498*, W25*, W429*, W523*.
Identifiers: ClinVar variation 1372849 (VCV001372849.6), dbSNP rs868910488, ClinGen allele CA372618612.
Genomic context (GRCh38, chr8:144,413,296, plus strand): 5'-CCCAGCTCGTGTGGCAACTCGTGGCAGAACACGGCCAGCGAGGTGGCCAGCCCGGTCTTC[C>T]AGGAGGACGCGAAGGCGGCGCCCACGGCCAGCCCGTCGGCGAAGTTGTGCACGGCGTCGC-3'

ClinVar aggregate classification (germline): Pathogenic (1 of 4 stars; one submission).

Allele frequency attached by ClinVar (database versions not stated): TOPMed below 0.00001.

Submission:

Labcorp Genetics (formerly Invitae), Labcorp
Classification: Pathogenic. Last evaluated: 2021-05-02. Review status: criteria provided, single submitter. Criteria: Invitae Variant Classification Sherloc (09022015). Collection method: clinical testing. Allele origin: germline.
Comment: For these reasons, this variant has been classified as Pathogenic. Algorithms developed to predict the effect of sequence changes on RNA splicing suggest that this variant may create or strengthen a splice site, but this prediction has not been confirmed by published transcriptional studies. This variant has not been reported in the literature in individuals with SLC39A4-related conditions. This variant is not present in population databases (ExAC no frequency). This sequence change creates a premature translational stop signal (p.Trp523*) in the SLC39A4 gene. It is expected to result in an absent or disrupted protein product. Loss-of-function variants in SLC39A4 are known to be pathogenic (PMID: 12955721).

Literature cited by the submitters: PubMed 12955721.